The following is an entry in ClinVar:

ClinVar aggregate classification (germline): Pathogenic (1 of 4 stars; one submission).

Conditions:
Neurofibromatosis, type 1 (NF1). Also called: VON RECKLINGHAUSEN DISEASE; Peripheral type neurofibromatosis; NEUROFIBROMATOSIS, TYPE I, SOMATIC; Neurofibromatosis, type I. Identifiers: Orphanet 636, MedGen C0027831, MONDO:0018975, OMIM 162200. Disease mechanism: loss of function.

Submission:

Labcorp Genetics (formerly Invitae), Labcorp
Classification: Pathogenic for Neurofibromatosis, type 1. Last evaluated: 2025-07-09. Review status: criteria provided, single submitter. Criteria: Invitae Variant Classification Sherloc (09022015). Collection method: clinical testing. Allele origin: germline.
Comment: This sequence change affects a donor splice site in intron 52 of the NF1 gene. It is expected to disrupt RNA splicing. Variants that disrupt the donor or acceptor splice site typically lead to a loss of protein function (PMID: 16199547), and loss-of-function variants in NF1 are known to be pathogenic (PMID: 10712197, 23913538). This variant is not present in population databases (gnomAD no frequency). Disruption of this splice site has been observed in individuals with neurofibromatosis type 1 (PMID: 11857752, 26056819; internal data). This variant is also known as IVS44+2T>A. ClinVar contains an entry for this variant (Variation ID: 1070509). Algorithms developed to predict the effect of sequence changes on RNA splicing suggest that this variant may disrupt the consensus splice site. For these reasons, this variant has been classified as Pathogenic.

Literature cited by the submitters: PubMed 16199547; PubMed 10712197; PubMed 23913538; PubMed 11857752; PubMed 26056819.

NM_001042492.3(NF1):c.7869+2T>A

Gene: NF1 (neurofibromin 1; plus strand). Cytogenetic location: 17q11.2.
Variant type: single nucleotide variant.
Coding change: c.7869+2T>A on transcript NM_001042492.3 (MANE Select); the canonical splice donor site of the intron after coding-DNA position 7869, T replaced by A.
Molecular consequence: splice donor variant.
Genome position (GRCh38, 1-based): chr17:31,357,092, T>A. VCF-style: chr17-31357092-T-A. GRCh37 (hg19) VCF-style: chr17-29684110-T-A.
Other names: c.7806+2T>A (NM_000267.4).
Identifiers: ClinVar variation 1070509 (VCV001070509.5), dbSNP rs1555536724, ClinGen allele CA399018726.